The following is an entry in ClinVar:

NM_000136.3(FANCC):c.443G>C (p.Gly148Ala)

Gene: FANCC (FA complementation group C; minus strand). Cytogenetic location: 9q22.32.
Variant type: single nucleotide variant.
Coding change: c.443G>C on transcript NM_000136.3 (MANE Select); coding-DNA position 443, G replaced by C.
Protein change: p.Gly148Ala; replaces glycine 148 with alanine.
Molecular consequence: missense variant.
Genome position (GRCh38, 1-based): chr9:95,172,050, C>G on the plus strand (G>C on the coding strand, the complement: FANCC is on the minus strand). VCF-style: chr9-95172050-C-G. GRCh37 (hg19) VCF-style: chr9-97934332-C-G.
Other names: c.443G>C, p.Gly148Ala (NM_001243743.2, NM_001243744.2); short protein forms G148A.
Identifiers: ClinVar variation 423119 (VCV000423119.3), dbSNP rs1064796243, ClinGen allele CA16618889.
Genomic context (GRCh38, chr9:95,172,050, plus strand): 5'-ACATTCAGCATTAAACATTTCAAAAGTGATAAATTTTAAATACTCACATTTTTAAGCAAA[C>G]CAGGATAGTAATCTATAGGTGCATACCCAAGACCTTGAGTGAAAAGAGCAACTTCTTTAT-3'
Protein context (NP_000127.2, residues 138-158): LGYAPIDYYP[Gly148Ala]LLKNMVLSLA

ClinVar aggregate classification (germline): Uncertain significance. Review status: criteria provided, multiple submitters, no conflicts (2 of 4 stars). 2 submissions from 2 submitters: Uncertain significance (2). Last evaluated 2026-08-25.

Conditions:
Hereditary cancer-predisposing syndrome. Also called: Neoplastic Syndromes, Hereditary; Hereditary neoplastic syndrome; Hereditary Cancer Syndrome; Tumor predisposition. Identifiers: Orphanet 140162, MedGen C0027672, MeSH D009386, MONDO:0015356.

Submissions (2):

Ambry Genetics
Classification: Uncertain significance for Hereditary cancer-predisposing syndrome. Last evaluated: 2026-08-25. Review status: criteria provided, single submitter. Criteria: Ambry Variant Classification Scheme 2023. Collection method: clinical testing. Allele origin: germline.
Comment: The p.G148A variant (also known as c.443G>C), located in coding exon 4 of the FANCC gene, results from a G to C substitution at nucleotide position 443. The glycine at codon 148 is replaced by alanine, an amino acid with similar properties. This amino acid position is conserved. In addition, this alteration is predicted to be tolerated by in silico analysis. Based on the available evidence, the clinical significance of this variant remains unclear.

GeneDx
Classification: Uncertain significance. Last evaluated: 2017-01-17. Review status: criteria provided, single submitter. Criteria: GeneDx Variant Classification (06012015). Collection method: clinical testing. Allele origin: germline. Affected: yes.
Comment: This variant is denoted FANCC c.443G>C at the cDNA level, p.Gly148Ala (G148A) at the protein level, and results in the change of a Glycine to an Alanine (GGT>GCT). This variant has not, to our knowledge, been published in the literature as pathogenic or benign. FANCC Gly148Ala was not observed in approximately 6,500 individuals of European and African American ancestry in the NHLBI Exome Sequencing Project, suggesting it is not a common benign variant in these populations. Since Glycine and Alanine share similar properties, this is considered a conservative amino acid substitution. FANCC Gly148Ala occurs at a position that is not conserved and is located in the RED, FAZF, GRP94, and Hsp70 domains (Gordon 2000). In silico analyses predict that this variant is unlikely to alter protein structure or function. Based on currently available evidence, it is unclear whether FANCC Gly148Ala is a pathogenic or benign variant. We consider it to be a variant of uncertain significance.